The following is an entry in ClinVar:

ClinVar aggregate classification (germline): Conflicting classifications of pathogenicity. Review status: criteria provided, conflicting classifications (1 of 4 stars). 6 submissions from 6 submitters: Uncertain significance (1); Likely benign (4). 1 of the submissions does not count toward it. Last evaluated 2025-12-23.

Conditions:
Deficiency of iodide peroxidase (TDH2A). Also called: THYROID HORMONOGENESIS, GENETIC DEFECT IN, 2A; THYROID PEROXIDASE DEFICIENCY; HYPOTHYROIDISM, CONGENITAL, DUE TO DYSHORMONOGENESIS, 2A; IODIDE PEROXIDASE DEFICIENCY; Thyroid dyshormonogenesis 2A. Identifiers: Orphanet 95716, MedGen C1291299, MONDO:0010133, OMIM 274500.
TPO-related disorder. Also called: TPO-related condition.

Allele frequency attached by ClinVar (database versions not stated): 1000 Genomes Project 30x 0.00016; 1000 Genomes Project 0.00020; ESP Exome Variant Server 0.00085; TOPMed 0.00097.

Submissions (6):

Labcorp Genetics (formerly Invitae), Labcorp
Classification: Likely benign. Last evaluated: 2025-12-23. Review status: criteria provided, single submitter. Criteria: Invitae Variant Classification Sherloc (09022015). Collection method: clinical testing. Allele origin: germline.

Blueprint Genetics
Classification: Likely benign. Last evaluated: 2024-11-26. Review status: criteria provided, single submitter. Criteria: ACMG Guidelines, 2015. Collection method: clinical testing. Allele origin: germline.

Women's Health and Genetics/Laboratory Corporation of America, LabCorp
Classification: Likely benign. Last evaluated: 2024-03-26. Review status: criteria provided, single submitter. Criteria: LabCorp Variant Classification Summary - May 2015. Collection method: clinical testing. Allele origin: germline.

CeGaT Center for Human Genetics Tuebingen
Classification: Likely benign. Last evaluated: 2023-10-01. Review status: criteria provided, single submitter. Criteria: CeGaT Center For Human Genetics Tuebingen Variant Classification Criteria Version 2. Collection method: clinical testing. Allele origin: germline. Affected: yes. Observed: 2 variant alleles.
Comment: TPO: BP4, BP7

Illumina Laboratory Services, Illumina
Classification: Uncertain significance for Deficiency of iodide peroxidase. Last evaluated: 2018-01-13. Review status: criteria provided, single submitter. Criteria: ICSL Variant Classification Criteria 13 December 2019. Collection method: clinical testing. Allele origin: germline.

PreventionGenetics, part of Exact Sciences
Classification: Likely benign for TPO-related condition. Last evaluated: 2019-05-24. Review status: no assertion criteria provided. Collection method: clinical testing. Allele origin: germline. Not counted in ClinVar's aggregate classification.
Comment: This variant is classified as likely benign based on ACMG/AMP sequence variant interpretation guidelines (Richards et al. 2015 PMID: 25741868, with internal and published modifications).

NM_001206744.2(TPO):c.1857C>G (p.Ala619=)

Genes: LALTOP (lung cancer associated lncRNA targeting TOP2A; minus strand), TPO (thyroid peroxidase; plus strand). Cytogenetic location: 2p25.3.
Variant type: single nucleotide variant.
Coding change: c.1857C>G on transcript NM_001206744.2 (MANE Select); coding-DNA position 1857, C replaced by G.
Protein change: p.Ala619=; no amino-acid change (alanine 619 retained).
Molecular consequence: synonymous variant.
Genome position (GRCh38, 1-based): chr2:1,493,890, C>G. VCF-style: chr2-1493890-C-G. GRCh37 (hg19) VCF-style: chr2-1497662-C-G.
Other names: c.1857C>G, p.Ala619= (NM_000547.6, NM_175721.3); c.1686C>G, p.Ala562= (NM_001206745.2, NM_175719.4); c.1338C>G, p.Ala446= (NM_175722.3).
Identifiers: ClinVar variation 331358 (VCV000331358.54), dbSNP rs140322336, ClinGen allele CA1511869.